The following is an entry in ClinVar:

ClinVar aggregate classification (germline): Uncertain significance. Review status: criteria provided, multiple submitters, no conflicts (2 of 4 stars). 2 submissions from 2 submitters: Uncertain significance (2). Last evaluated 2024-04-03.

Allele frequency attached by ClinVar (database versions not stated): TOPMed below 0.00001.

Submissions (2):

Labcorp Genetics (formerly Invitae), Labcorp
Classification: Uncertain significance. Last evaluated: 2024-04-03. Review status: criteria provided, single submitter. Criteria: Invitae Variant Classification Sherloc (09022015). Collection method: clinical testing. Allele origin: germline.
Comment: This sequence change replaces glutamine, which is neutral and polar, with arginine, which is basic and polar, at codon 667 of the RNF31 protein (p.Gln667Arg). This variant is not present in population databases (gnomAD no frequency). This variant has not been reported in the literature in individuals affected with RNF31-related conditions. ClinVar contains an entry for this variant (Variation ID: 2619374). An algorithm developed to predict the effect of missense changes on protein structure and function (PolyPhen-2) suggests that this variant is likely to be tolerated. In summary, the available evidence is currently insufficient to determine the role of this variant in disease. Therefore, it has been classified as a Variant of Uncertain Significance.

Ambry Genetics
Classification: Uncertain significance. Last evaluated: 2023-08-19. Review status: criteria provided, single submitter. Criteria: Ambry Variant Classification Scheme 2023. Collection method: clinical testing. Allele origin: germline.

NM_017999.5(RNF31):c.2000A>G (p.Gln667Arg)

Gene: RNF31 (ring finger protein 31; plus strand). Cytogenetic location: 14q12.
Variant type: single nucleotide variant.
Coding change: c.2000A>G on transcript NM_017999.5 (MANE Select); coding-DNA position 2000, A replaced by G.
Protein change: p.Gln667Arg; replaces glutamine 667 with arginine.
Molecular consequence: missense variant.
Genome position (GRCh38, 1-based): chr14:24,151,862, A>G. VCF-style: chr14-24151862-A-G. GRCh37 (hg19) VCF-style: chr14-24621071-A-G.
Other names: c.1547A>G, p.Gln516Arg (NM_001310332.2); short protein forms Q516R, Q667R.
Identifiers: ClinVar variation 2619374 (VCV002619374.4), dbSNP rs2038272307, ClinGen allele CA389299006.